The following is an entry in ClinVar:

NM_006231.4(POLE):c.565G>C (p.Ala189Pro)

Gene: POLE (DNA polymerase epsilon, catalytic subunit; minus strand). Cytogenetic location: 12q24.33.
Variant type: single nucleotide variant.
Coding change: c.565G>C on transcript NM_006231.4 (MANE Select); coding-DNA position 565, G replaced by C.
Protein change: p.Ala189Pro; replaces alanine 189 with proline.
Molecular consequence: missense variant.
Genome position (GRCh38, 1-based): chr12:132,679,510, C>G on the plus strand (G>C on the coding strand, the complement: POLE is on the minus strand). VCF-style: chr12-132679510-C-G. GRCh37 (hg19) VCF-style: chr12-133256096-C-G.
Other names: short protein forms A189P.
Identifiers: ClinVar variation 473753 (VCV000473753.8), dbSNP rs1555230056, ClinGen allele CA387366674.

ClinVar aggregate classification (germline): Uncertain significance (1 of 4 stars; one submission).

gnomAD v4.1: 2 of 1,611,664 alleles (0.00012%); highest among the groups gnomAD compares: African/African-American, 0.0013%; no homozygotes.

Submission:

Labcorp Genetics (formerly Invitae), Labcorp
Classification: Uncertain significance. Last evaluated: 2025-11-10. Review status: criteria provided, single submitter. Criteria: Invitae Variant Classification Sherloc (09022015). Collection method: clinical testing. Allele origin: germline.
Comment: This sequence change replaces alanine, which is neutral and non-polar, with proline, which is neutral and non-polar, at codon 189 of the POLE protein (p.Ala189Pro). This variant is not present in population databases (gnomAD no frequency). This variant has not been reported in the literature in individuals affected with POLE-related conditions. ClinVar contains an entry for this variant (Variation ID: 473753). Invitae Evidence Modeling of protein sequence and biophysical properties (such as structural, functional, and spatial information, amino acid conservation, physicochemical variation, residue mobility, and thermodynamic stability) indicates that this missense variant is not expected to disrupt POLE protein function with a negative predictive value of 80%. In summary, the available evidence is currently insufficient to determine the role of this variant in disease. Therefore, it has been classified as a Variant of Uncertain Significance.